The following is an entry in ClinVar:

NM_001009944.3(PKD1):c.1189G>T (p.Glu397Ter)

Gene: PKD1 (polycystin 1, transient receptor potential channel interacting; minus strand). Cytogenetic location: 16p13.3.
Variant type: single nucleotide variant.
Coding change: c.1189G>T on transcript NM_001009944.3 (MANE Select); coding-DNA position 1189, G replaced by T.
Protein change: p.Glu397Ter; replaces glutamic acid 397 with a stop codon.
Molecular consequence: nonsense.
Genome position (GRCh38, 1-based): chr16:2,117,803, C>A on the plus strand (G>T on the coding strand, the complement: PKD1 is on the minus strand). VCF-style: chr16-2117803-C-A. GRCh37 (hg19) VCF-style: chr16-2167804-C-A.
Other names: c.1189G>T, p.Glu397Ter (NM_000296.4); short protein forms E397*.
Identifiers: ClinVar variation 3376519 (VCV003376519.3).

ClinVar aggregate classification (germline): Pathogenic/Likely pathogenic. Review status: criteria provided, multiple submitters, no conflicts (2 of 4 stars). 2 submissions from 2 submitters: Pathogenic (1); Likely pathogenic (1). Last evaluated 2024-02-23.

Conditions:
Polycystic kidney disease, adult type (PKD1). Also called: POLYCYSTIC KIDNEY DISEASE, ADULT, TYPE I; Polycystic Kidney Disease 1, Autosomal Dominant; Polycystic kidney disease 1; Polycystic kidney disease 1, severe; Polycystic Kidney, Autosomal Dominant; POLYCYSTIC KIDNEY DISEASE 1 WITH OR WITHOUT POLYCYSTIC LIVER DISEASE. Identifiers: MedGen C3149841, MONDO:0008263, OMIM 173900.

Submissions (2):

Fulgent Genetics
Classification: Pathogenic for Polycystic kidney disease, adult type. Last evaluated: 2024-02-23. Review status: criteria provided, single submitter. Criteria: ACMG Guidelines, 2015. Collection method: clinical testing. Allele origin: germline.

Juno Genomics, Hangzhou Juno Genomics, Inc
Classification: Likely pathogenic for Polycystic kidney disease, adult type. Review status: criteria provided, single submitter. Criteria: ACMG Guidelines, 2015. Collection method: clinical testing. Allele origin: germline. Affected: yes.
Comment: Absent from controls (or at extremely low frequency if recessive) in Genome Aggregation Database, Exome Sequencing Project, 1000 Genomes Project, or Exome Aggregation Consortium.;Null variant in a gene where loss of function (LOF) is a known mechanism of disease.